The following is an entry in ClinVar:

ClinVar aggregate classification (germline): Uncertain significance (1 of 4 stars; one submission).

Conditions:
Inborn genetic diseases. Identifiers: MedGen C0950123, MeSH D030342.

gnomAD v4.1: 2 of 1,594,192 alleles (0.00013%); highest among the groups gnomAD compares: African/African-American, 0.0027%; no homozygotes.

Submission:

Ambry Genetics
Classification: Uncertain significance for Inborn genetic diseases. Last evaluated: 2025-04-18. Review status: criteria provided, single submitter. Criteria: Ambry Variant Classification Scheme 2023. Collection method: clinical testing. Allele origin: germline.
Comment: The p.N20S variant (also known as c.59A>G), located in coding exon 1 of the SAMD9 gene, results from an A to G substitution at nucleotide position 59. The asparagine at codon 20 is replaced by serine, an amino acid with highly similar properties. This amino acid position is conserved. In addition, this alteration is predicted to be tolerated by in silico analysis. Based on the available evidence, the clinical significance of this variant remains unclear.

NM_017654.4(SAMD9):c.59A>G (p.Asn20Ser)

Gene: SAMD9 (sterile alpha motif domain containing 9; minus strand). Cytogenetic location: 7q21.2.
Variant type: single nucleotide variant.
Coding change: c.59A>G on transcript NM_017654.4 (MANE Select); coding-DNA position 59, A replaced by G.
Protein change: p.Asn20Ser; replaces asparagine 20 with serine.
Molecular consequence: missense variant.
Genome position (GRCh38, 1-based): chr7:93,106,039, T>C on the plus strand (A>G on the coding strand, the complement: SAMD9 is on the minus strand). VCF-style: chr7-93106039-T-C. GRCh37 (hg19) VCF-style: chr7-92735352-T-C.
Other names: c.59A>G, p.Asn20Ser (NM_001193307.2); short protein forms N20S.
Identifiers: ClinVar variation 3949561 (VCV003949561.1).